The following is an entry in ClinVar:

NM_004612.4(TGFBR1):c.758T>C (p.Met253Thr)

Gene: TGFBR1 (transforming growth factor beta receptor 1; plus strand). Cytogenetic location: 9q22.33.
Variant type: single nucleotide variant.
Coding change: c.758T>C on transcript NM_004612.4 (MANE Select); coding-DNA position 758, T replaced by C.
Protein change: p.Met253Thr; replaces methionine 253 with threonine.
Molecular consequence: missense variant.
Genome position (GRCh38, 1-based): chr9:99,138,042, T>C. VCF-style: chr9-99138042-T-C. GRCh37 (hg19) VCF-style: chr9-101900324-T-C.
Other names: p.M253T:ATG>ACG; c.527T>C, p.Met176Thr (NM_001130916.3); c.770T>C, p.Met257Thr (NM_001306210.2); short protein forms M253T, M257T, M176T.
Identifiers: ClinVar variation 213878 (VCV000213878.2), dbSNP rs863223815, ClinGen allele CA321603.
Genomic context (GRCh38, chr9:99,138,042, plus strand): 5'-TATTCTCCTCTAGAGAAGAACGTTCGTGGTTCCGTGAGGCAGAGATTTATCAAACTGTAA[T>C]GTTACGTCATGAAAACATCCTGGGATTTATAGCAGCAGACAATAAAGGTCTGTAACATTT-3'
Protein context (NP_004603.1, residues 243-263): FREAEIYQTV[Met253Thr]LRHENILGFI

ClinVar aggregate classification (germline): Likely pathogenic (1 of 4 stars; one submission).

Submission:

GeneDx
Classification: Likely pathogenic. Last evaluated: 2014-08-18. Review status: criteria provided, single submitter. Criteria: GeneDx Variant Classification (06012015). Collection method: clinical testing. Allele origin: germline. Affected: yes.
Comment: A M253T variant that is likely pathogenic was identified in the TGFBR1 gene. It has not been published as a mutation, nor has it been reported as a benign polymorphism to our knowledge. The M253T variant was not observed in approximately 6,500 individuals of European and African American ancestry in the NHLBI Exome Sequencing Project, indicating it is not a common benign variant in these populations. The M253T variant is a non-conservative amino acid substitution, which is likely to impact secondary protein structure as these residues differ in polarity, charge, size and/or other properties. This substitution occurs at a position that is conserved across species. In silico analysis is inconsistent in its predictions as to whether or not the variant is damaging to the protein structure/function. However, a missense mutation in this same residue (M253I) has been reported in the Human Gene Mutation Database in association with Marfan syndrome II (Stenson et al., 2014). The patient harboring the M253I mutation met Ghent criteria for Marfan syndrome and had a positive family history of aortic rupture. The M253I variant segregated in affected family members, but one affected family member with a milder phenotype failed to meet Ghent criteria (Singh et al., 2006). In summary, the M253T variant in the TGFBR1 gene is a strong candidate for a pathogenic mutation, however the possibility that it is a benign variant cannot be excluded.